The following is an entry in ClinVar:

ClinVar aggregate classification (germline): Conflicting classifications of pathogenicity. Review status: criteria provided, conflicting classifications (1 of 4 stars). 6 submissions from 6 submitters: Pathogenic (1); Likely pathogenic (2); Uncertain significance (1). 2 of the submissions do not count toward it. Last evaluated 2026-04-27.

Conditions:
INS-related disorders.
Diabetes mellitus, permanent neonatal 4. Also called: INS-Related Permanent Neonatal Diabetes Mellitus. Identifiers: MedGen C5394307, MONDO:0030089, OMIM 618858.
Maturity-onset diabetes of the young type 10. Identifiers: Orphanet 552, MedGen C3150617, MONDO:0013240, OMIM 613370.

Allele frequency attached by ClinVar (database versions not stated): gnomAD exomes below 0.00001.

Submissions (6):

MVZ Medizinische Genetik Mainz
Classification: Likely pathogenic for Maturity-onset diabetes of the young type 10. Last evaluated: 2026-04-27. Review status: criteria provided, single submitter. Criteria: UK Practice Guidelines For Variant Classification V4 01 2020. Collection method: clinical testing. Allele origin: germline. Inheritance: Autosomal dominant inheritance. Affected: yes. Observed: 1 variant allele.
Comment: ACMG Criteria: PS4,PP1_MOD,PS3_SUP,PM2_SUP,PP3

Labcorp Genetics (formerly Invitae), Labcorp
Classification: Likely pathogenic. Last evaluated: 2024-10-07. Review status: criteria provided, single submitter. Criteria: Invitae Variant Classification Sherloc (09022015). Collection method: clinical testing. Allele origin: germline.
Comment: This sequence change replaces arginine, which is basic and polar, with glutamine, which is neutral and polar, at codon 46 of the INS protein (p.Arg46Gln). This variant is not present in population databases (gnomAD no frequency). This missense change has been observed in individual(s) with autosomal dominant maturity-onset diabetes of the young (PMID: 18192540, 20226046, 28478482, 34789499). It has also been observed to segregate with disease in related individuals. ClinVar contains an entry for this variant (Variation ID: 13391). An algorithm developed to predict the effect of missense changes on protein structure and function (PolyPhen-2) suggests that this variant is likely to be disruptive. Experimental studies have shown that this missense change affects INS function (PMID: 20948967, 25423173). In summary, the currently available evidence indicates that the variant is pathogenic, but additional data are needed to prove that conclusively. Therefore, this variant has been classified as Likely Pathogenic.

Blueprint Genetics
Classification: Pathogenic for INS-related disorders. Last evaluated: 2019-09-20. Review status: criteria provided, single submitter. Criteria: ACMG Guidelines, 2015. Collection method: clinical testing. Allele origin: germline. Affected: yes. Observed: 2 variant alleles.

Clinical Genomics, Uppaluri K&H Personalized Medicine Clinic
Classification: Uncertain significance for Diabetes mellitus, permanent neonatal 4. Review status: criteria provided, single submitter. Criteria: K &amp; H Uppaluri Personalized Medicine Clinic Variant Classification &amp; Assertion Criteria_Updated V.1. Collection method: research. Allele origin: unknown. Inheritance: Autosomal dominant inheritance.
Comment: Potent mutations in the INS gene can cause early onset diabetes mellitus which is insulin dependent. May have poor response to sulfonylureas, mutations in this gene can cause beta cell destruction.Sufficient evidence is found to confer the association of this particular variant R46Q/ rs121908260 with permanent neonatal diabetes mellitus.

OMIM
Classification: Pathogenic for MATURITY-ONSET DIABETES OF THE YOUNG, TYPE 10. Last evaluated: 2008-04-01. Review status: no assertion criteria provided. Collection method: literature only. Allele origin: germline. Not counted in ClinVar's aggregate classification.

UniProtKB/Swiss-Prot
No classification provided. Condition: Maturity-onset diabetes of the young, type 10. Review status: no classification provided. Collection method: not provided. Allele origin: not provided. Not counted in ClinVar's aggregate classification.

Literature cited by the submitters: PubMed 18192540 (cited by Labcorp Genetics (formerly Invitae), Labcorp and OMIM); PubMed 20226046 (cited by Labcorp Genetics (formerly Invitae), Labcorp and Clinical Genomics, Uppaluri K&H Personalized Medicine Clinic); PubMed 28478482 (cited by Labcorp Genetics (formerly Invitae), Labcorp and Clinical Genomics, Uppaluri K&H Personalized Medicine Clinic); PubMed 34789499 (cited by Labcorp Genetics (formerly Invitae), Labcorp); PubMed 20948967 (cited by Labcorp Genetics (formerly Invitae), Labcorp); PubMed 25423173 (cited by Labcorp Genetics (formerly Invitae), Labcorp).

NM_000207.3(INS):c.137G>A (p.Arg46Gln)

Genes: INS (insulin; minus strand), INS-IGF2 (INS-IGF2 readthrough; minus strand). Cytogenetic location: 11p15.5.
Variant type: single nucleotide variant.
Coding change: c.137G>A on transcript NM_000207.3 (MANE Select); coding-DNA position 137, G replaced by A.
Protein change: p.Arg46Gln; replaces arginine 46 with glutamine.
Molecular consequence: missense variant. On other transcripts: non-coding transcript variant (1).
Genome position (GRCh38, 1-based): chr11:2,160,835, C>T on the plus strand (G>A on the coding strand, the complement: INS is on the minus strand). VCF-style: chr11-2160835-C-T. GRCh37 (hg19) VCF-style: chr11-2182065-C-T.
Other names: c.137G>A, p.Arg46Gln (NM_001185097.2, NM_001185098.2, NM_001291897.2 and 1 more transcripts); short protein forms R46Q.
Identifiers: ClinVar variation 13391 (VCV000013391.9), dbSNP rs121908260, ClinGen allele CA123086.